The following is an entry in ClinVar:

ClinVar aggregate classification (germline): Pathogenic (1 of 4 stars; one submission).

Conditions:
Hereditary breast ovarian cancer syndrome. Also called: Breast and ovarian cancer; BRCA1- and BRCA2-Associated Hereditary Breast and Ovarian Cancer; Hereditary breast and ovarian cancer syndrome; Hereditary breast and/or ovarian cancer syndrome; Hereditary breast and ovarian cancer; Hereditary breast and ovarian cancer syndrome (HBOC). Identifiers: Orphanet 145, MedGen C0677776, MeSH D061325, MONDO:0003582. Disease mechanism: loss of function.

Submission:

Labcorp Genetics (formerly Invitae), Labcorp
Classification: Pathogenic for Hereditary breast ovarian cancer syndrome. Last evaluated: 2021-12-07. Review status: criteria provided, single submitter. Criteria: Invitae Variant Classification Sherloc (09022015). Collection method: clinical testing. Allele origin: germline.
Comment: For these reasons, this variant has been classified as Pathogenic. This variant has not been reported in the literature in individuals affected with BRCA1-related conditions. This variant is a gross deletion of the genomic region encompassing exon(s) 3-11 of the BRCA1 gene. This deletion is out-of-frame, and is expected to create a premature termination codon and result in an absent or disrupted protein product. Loss-of-function variants in BRCA1 are known to be pathogenic (PMID: 20104584).

Literature cited by the submitters: PubMed 20104584.

NC_000017.10:g.(?_41242941)_(41267816_?)del

Gene: BRCA1 (BRCA1 DNA repair associated; minus strand). Cytogenetic location: 17q21.31.
Variant type: Deletion.
Identifiers: ClinVar variation 1069352 (VCV001069352.3).